The following is an entry in ClinVar:

NM_014679.5(CEP57):c.292T>C (p.Ser98Pro)

Gene: CEP57 (centrosomal protein 57; plus strand). Cytogenetic location: 11q21.
Variant type: single nucleotide variant.
Coding change: c.292T>C on transcript NM_014679.5 (MANE Select); coding-DNA position 292, T replaced by C.
Protein change: p.Ser98Pro; replaces serine 98 with proline.
Molecular consequence: missense variant.
Genome position (GRCh38, 1-based): chr11:95,813,021, T>C. VCF-style: chr11-95813021-T-C. GRCh37 (hg19) VCF-style: chr11-95546185-T-C.
Other names: c.265T>C, p.Ser89Pro (NM_001243776.2); c.292T>C, p.Ser98Pro (NM_001243777.2); c.211T>C, p.Ser71Pro (NM_001363604.2); short protein forms S71P, S98P, S89P.
Identifiers: ClinVar variation 961460 (VCV000961460.11), dbSNP rs1862135682, ClinGen allele CA382420441.

ClinVar aggregate classification (germline): Uncertain significance. Review status: criteria provided, multiple submitters, no conflicts (2 of 4 stars). 2 submissions from 2 submitters: Uncertain significance (2). Last evaluated 2025-10-25.

Conditions:
Inborn genetic diseases. Identifiers: MedGen C0950123, MeSH D030342.
Mosaic variegated aneuploidy syndrome 2 (MVA2). Identifiers: Orphanet 1052, MedGen C3279843, MONDO:0013582, OMIM 614114.

Allele frequency attached by ClinVar (database versions not stated): gnomAD exomes below 0.00001; TOPMed below 0.00001.
gnomAD v4.1: 1 of 1,613,942 alleles (0.000062%); highest among the groups gnomAD compares: Admixed American, 0.0017%; no homozygotes.

Submissions (2):

Labcorp Genetics (formerly Invitae), Labcorp
Classification: Uncertain significance for Mosaic variegated aneuploidy syndrome 2. Last evaluated: 2025-10-25. Review status: criteria provided, single submitter. Criteria: Invitae Variant Classification Sherloc (09022015). Collection method: clinical testing. Allele origin: germline.
Comment: This sequence change replaces serine, which is neutral and polar, with proline, which is neutral and non-polar, at codon 98 of the CEP57 protein (p.Ser98Pro). This variant is not present in population databases (gnomAD no frequency). This variant has not been reported in the literature in individuals affected with CEP57-related conditions. ClinVar contains an entry for this variant (Variation ID: 961460). Invitae Evidence Modeling of protein sequence and biophysical properties (such as structural, functional, and spatial information, amino acid conservation, physicochemical variation, residue mobility, and thermodynamic stability) indicates that this missense variant is not expected to disrupt CEP57 protein function with a negative predictive value of 80%. In summary, the available evidence is currently insufficient to determine the role of this variant in disease. Therefore, it has been classified as a Variant of Uncertain Significance.

Ambry Genetics
Classification: Uncertain significance for Inborn genetic diseases. Last evaluated: 2024-12-25. Review status: criteria provided, single submitter. Criteria: Ambry Variant Classification Scheme 2023. Collection method: clinical testing. Allele origin: germline.
Comment: The p.S98P variant (also known as c.292T>C), located in coding exon 3 of the CEP57 gene, results from a T to C substitution at nucleotide position 292. The serine at codon 98 is replaced by proline, an amino acid with similar properties. This amino acid position is conserved. In addition, this alteration is predicted to be deleterious by in silico analysis. Based on the available evidence, the clinical significance of this variant remains unclear.